The following is an entry in ClinVar:

ClinVar aggregate classification (germline): Uncertain significance (1 of 4 stars; one submission).

Submission:

Labcorp Genetics (formerly Invitae), Labcorp
Classification: Uncertain significance. Last evaluated: 2024-04-10. Review status: criteria provided, single submitter. Criteria: Invitae Variant Classification Sherloc (09022015). Collection method: clinical testing. Allele origin: germline.
Comment: This sequence change replaces alanine, which is neutral and non-polar, with serine, which is neutral and polar, at codon 377 of the ALPK1 protein (p.Ala377Ser). This variant is not present in population databases (gnomAD no frequency). This variant has not been reported in the literature in individuals affected with ALPK1-related conditions. Advanced modeling of protein sequence and biophysical properties (such as structural, functional, and spatial information, amino acid conservation, physicochemical variation, residue mobility, and thermodynamic stability) performed at Invitae indicates that this missense variant is not expected to disrupt ALPK1 protein function with a negative predictive value of 80%. In summary, the available evidence is currently insufficient to determine the role of this variant in disease. Therefore, it has been classified as a Variant of Uncertain Significance.

NM_025144.4(ALPK1):c.1129G>T (p.Ala377Ser)

Gene: ALPK1 (alpha kinase 1; plus strand). Cytogenetic location: 4q25.
Variant type: single nucleotide variant.
Coding change: c.1129G>T on transcript NM_025144.4 (MANE Select); coding-DNA position 1129, G replaced by T.
Protein change: p.Ala377Ser; replaces alanine 377 with serine.
Molecular consequence: missense variant.
Genome position (GRCh38, 1-based): chr4:112,430,676, G>T. VCF-style: chr4-112430676-G-T. GRCh37 (hg19) VCF-style: chr4-113351832-G-T.
Other names: c.1129G>T, p.Ala377Ser (NM_001102406.2); c.895G>T, p.Ala299Ser (NM_001253884.2); short protein forms A377S, A299S.
Identifiers: ClinVar variation 2783420 (VCV002783420.3), dbSNP rs2476502759, ClinGen allele CA357893683.